The following is an entry in ClinVar:

NC_000016.9:g.(?_47698776)_(47699963_?)del

Gene: PHKB (phosphorylase kinase regulatory subunit beta; plus strand). Cytogenetic location: 16q12.1.
Variant type: Deletion.
Identifiers: ClinVar variation 3243374 (VCV003243374.1).

ClinVar aggregate classification (germline): Pathogenic (1 of 4 stars; one submission).

Conditions:
Glycogen storage disease IXb (GSD9B). Also called: GLYCOGENOSIS OF LIVER AND MUSCLE, AUTOSOMAL RECESSIVE; GSD IXb; PHOSPHORYLASE KINASE DEFICIENCY OF LIVER AND MUSCLE, AUTOSOMAL RECESSIVE. Identifiers: Orphanet 79240, MedGen C0543514, MONDO:0009868, OMIM 261750.

Submission:

Labcorp Genetics (formerly Invitae), Labcorp
Classification: Pathogenic for Glycogen storage disease IXb. Last evaluated: 2022-12-24. Review status: criteria provided, single submitter. Criteria: Invitae Variant Classification Sherloc (09022015). Collection method: clinical testing. Allele origin: unknown.
Comment: For these reasons, this variant has been classified as Pathogenic. This variant has not been reported in the literature in individuals affected with PHKB-related conditions. This variant is a gross deletion of the genomic region encompassing exon(s) 25 of the PHKB gene. This deletion is out-of-frame, and is expected to create a premature termination codon and result in an absent or disrupted protein product. Loss-of-function variants in PHKB are known to be pathogenic (PMID: 9215682, 9326319).

Literature cited by the submitters: PubMed 9215682; PubMed 9326319.